The following is an entry in ClinVar:

ClinVar aggregate classification (germline): Uncertain significance (1 of 4 stars; one submission).

Allele frequency attached by ClinVar (database versions not stated): gnomAD exomes below 0.00001; TOPMed 0.00001; gnomAD 0.00002.
gnomAD v4.1: 10 of 1,613,518 alleles (0.00062%); highest among the groups gnomAD compares: Middle Eastern, 0.066%; no homozygotes.

Submission:

Labcorp Genetics (formerly Invitae), Labcorp
Classification: Uncertain significance. Last evaluated: 2022-07-04. Review status: criteria provided, single submitter. Criteria: Invitae Variant Classification Sherloc (09022015). Collection method: clinical testing. Allele origin: germline.
Comment: In summary, the available evidence is currently insufficient to determine the role of this variant in disease. Therefore, it has been classified as a Variant of Uncertain Significance. Algorithms developed to predict the effect of sequence changes on RNA splicing suggest that this variant may create or strengthen a splice site. Algorithms developed to predict the effect of missense changes on protein structure and function are either unavailable or do not agree on the potential impact of this missense change (SIFT: "Tolerated"; PolyPhen-2: "Probably Damaging"; Align-GVGD: "Class C0"). ClinVar contains an entry for this variant (Variation ID: 959331). This variant has not been reported in the literature in individuals affected with KIAA1549-related conditions. This variant is present in population databases (no rsID available, gnomAD 0.01%). This sequence change replaces lysine, which is basic and polar, with arginine, which is basic and polar, at codon 1600 of the KIAA1549 protein (p.Lys1600Arg).

NM_001164665.2(KIAA1549):c.4799A>G (p.Lys1600Arg)

Gene: KIAA1549 (KIAA1549; minus strand). Cytogenetic location: 7q34.
Variant type: single nucleotide variant.
Coding change: c.4799A>G on transcript NM_001164665.2 (MANE Select); coding-DNA position 4799, A replaced by G.
Protein change: p.Lys1600Arg; replaces lysine 1600 with arginine.
Molecular consequence: missense variant.
Genome position (GRCh38, 1-based): chr7:138,868,105, T>C on the plus strand (A>G on the coding strand, the complement: KIAA1549 is on the minus strand). VCF-style: chr7-138868105-T-C. GRCh37 (hg19) VCF-style: chr7-138552851-T-C.
Other names: c.4799A>G, p.Lys1600Arg (NM_020910.3); short protein forms K1600R.
Identifiers: ClinVar variation 959331 (VCV000959331.8), dbSNP rs1023696884, ClinGen allele CA167147223.